The following is an entry in ClinVar:

ClinVar aggregate classification (germline): Uncertain significance (1 of 4 stars; one submission).

Conditions:
Emery-Dreifuss muscular dystrophy 5, autosomal dominant (EDMD5). Also called: EMERY-DREIFUSS MUSCULAR DYSTROPHY 5. Identifiers: Orphanet 261, MedGen C2751805, MONDO:0013072, OMIM 612999.

Allele frequency attached by ClinVar (database versions not stated): gnomAD exomes 0.00001; ExAC 0.00002; TOPMed 0.00002; gnomAD 0.00005; 1000 Genomes Project 30x 0.00016; 1000 Genomes Project 0.00020.
gnomAD v4.1: 14 of 1,613,174 alleles (0.00087%); highest among the groups gnomAD compares: Middle Eastern, 0.017%; no homozygotes.

Submission:

Labcorp Genetics (formerly Invitae), Labcorp
Classification: Uncertain significance for Emery-Dreifuss muscular dystrophy 5, autosomal dominant. Last evaluated: 2024-01-29. Review status: criteria provided, single submitter. Criteria: Invitae Variant Classification Sherloc (09022015). Collection method: clinical testing. Allele origin: germline.
Comment: This sequence change replaces phenylalanine, which is neutral and non-polar, with isoleucine, which is neutral and non-polar, at codon 478 of the SYNE2 protein (p.Phe478Ile). This variant is present in population databases (rs534960887, gnomAD 0.03%). This variant has not been reported in the literature in individuals affected with SYNE2-related conditions. ClinVar contains an entry for this variant (Variation ID: 2016729). An algorithm developed to predict the effect of missense changes on protein structure and function (PolyPhen-2) suggests that this variant is likely to be tolerated. In summary, the available evidence is currently insufficient to determine the role of this variant in disease. Therefore, it has been classified as a Variant of Uncertain Significance.

NM_182914.3(SYNE2):c.1432T>A (p.Phe478Ile)

Gene: SYNE2 (spectrin repeat containing nuclear envelope protein 2; plus strand). Cytogenetic location: 14q23.2.
Variant type: single nucleotide variant.
Coding change: c.1432T>A on transcript NM_182914.3 (MANE Select); coding-DNA position 1432, T replaced by A.
Protein change: p.Phe478Ile; replaces phenylalanine 478 with isoleucine.
Molecular consequence: missense variant.
Genome position (GRCh38, 1-based): chr14:63,978,877, T>A. VCF-style: chr14-63978877-T-A. GRCh37 (hg19) VCF-style: chr14-64445595-T-A.
Other names: c.1432T>A, p.Phe478Ile (NM_015180.6); short protein forms F478I.
Identifiers: ClinVar variation 2016729 (VCV002016729.4), dbSNP rs534960887, ClinGen allele CA7219437.